The following is an entry in ClinVar:

NM_001174147.2(LMX1B):c.902G>A (p.Arg301His)

Gene: LMX1B (LIM homeobox transcription factor 1 beta; plus strand). Cytogenetic location: 9q33.3.
Variant type: single nucleotide variant.
Coding change: c.902G>A on transcript NM_001174147.2 (MANE Select); coding-DNA position 902, G replaced by A.
Protein change: p.Arg301His; replaces arginine 301 with histidine.
Molecular consequence: missense variant.
Genome position (GRCh38, 1-based): chr9:126,695,854, G>A. VCF-style: chr9-126695854-G-A. GRCh37 (hg19) VCF-style: chr9-129458133-G-A.
Other names: c.935G>A, p.Arg312His (NM_001174146.2); c.902G>A, p.Arg301His (NM_002316.4); c.902G>A (NM_002316.3); short protein forms R301H, R312H.
Identifiers: ClinVar variation 1047595 (VCV001047595.12), dbSNP rs773510108, ClinGen allele CA5242481.
Genomic context (GRCh38, chr9:126,695,854, plus strand): 5'-AGGGCGTGGACCAGGCCAGGGGGTGAAGGCTCACTGTGCCCCCAGAGGTCCTGTCCAGCC[G>A]CATGGAGGGCATGATGGCTTCCTACACGCCGCTGGCCCCACCACAGCAGCAGATCGTGGC-3'
Protein context (NP_001167618.1, residues 291-311): QRLGQEVLSS[Arg301His]MEGMMASYTP

ClinVar aggregate classification (germline): Uncertain significance. Review status: criteria provided, multiple submitters, no conflicts (2 of 4 stars). 3 submissions from 3 submitters: Uncertain significance (2). 1 of the submissions does not count toward it. Last evaluated 2025-12-01.

Conditions:
Inborn genetic diseases. Identifiers: MedGen C0950123, MeSH D030342.
LMX1B-related disorder. Also called: LMX1B-related condition.

Allele frequency attached by ClinVar (database versions not stated): gnomAD 0.00001; ExAC 0.00005; TOPMed 0.00006.
gnomAD v4.1: 83 of 1,612,900 alleles (0.0051%); highest among the groups gnomAD compares: Admixed American, 0.043%; no homozygotes.

Submissions (3):

Labcorp Genetics (formerly Invitae), Labcorp
Classification: Uncertain significance. Last evaluated: 2025-12-01. Review status: criteria provided, single submitter. Criteria: Invitae Variant Classification Sherloc (09022015). Collection method: clinical testing. Allele origin: germline.
Comment: This sequence change replaces arginine, which is basic and polar, with histidine, which is basic and polar, at codon 301 of the LMX1B protein (p.Arg301His). This variant is present in population databases (rs773510108, gnomAD 0.07%), and has an allele count higher than expected for a pathogenic variant. This variant has not been reported in the literature in individuals affected with LMX1B-related conditions. ClinVar contains an entry for this variant (Variation ID: 1047595). Invitae Evidence Modeling of protein sequence and biophysical properties (such as structural, functional, and spatial information, amino acid conservation, physicochemical variation, residue mobility, and thermodynamic stability) indicates that this missense variant is not expected to disrupt LMX1B protein function with a negative predictive value of 80%. In summary, the available evidence is currently insufficient to determine the role of this variant in disease. Therefore, it has been classified as a Variant of Uncertain Significance.

Ambry Genetics
Classification: Uncertain significance for Inborn genetic diseases. Last evaluated: 2023-03-31. Review status: criteria provided, single submitter. Criteria: Ambry Variant Classification Scheme 2023. Collection method: clinical testing. Allele origin: germline.

PreventionGenetics, part of Exact Sciences
Classification: Likely benign for LMX1B-related condition. Last evaluated: 2022-04-13. Review status: no assertion criteria provided. Collection method: clinical testing. Allele origin: germline. Not counted in ClinVar's aggregate classification.
Comment: This variant is classified as likely benign based on ACMG/AMP sequence variant interpretation guidelines (Richards et al. 2015 PMID: 25741868, with internal and published modifications).